The following is an entry in ClinVar:

NM_020533.3(MCOLN1):c.740dup (p.Asn247fs)

Gene: MCOLN1 (mucolipin TRP cation channel 1; plus strand). Cytogenetic location: 19p13.2.
Variant type: Duplication.
Coding change: c.740dup on transcript NM_020533.3 (MANE Select); coding-DNA position 740, one base duplicated (A; older notation c.740dupA).
Protein change: p.Asn247fs; shifts the reading frame from asparagine 247.
Molecular consequence: frameshift variant.
Genome position (GRCh38, 1-based): chr19:7,527,923, A duplicated; the last of 2 consecutive A bases (chr19:7,527,922-7,527,923); duplicating either gives the same sequence. VCF-style (leftmost placement, unchanged base first): chr19-7527921-C-CA. GRCh37 (hg19) VCF-style: chr19-7592807-C-CA.
Other names: short protein forms N247fs.
Identifiers: ClinVar variation 5012456 (VCV005012456.1).

ClinVar aggregate classification (germline): Pathogenic (1 of 4 stars; one submission).

Conditions:
Mucolipidosis type IV (ML4). Also called: ML IV. Identifiers: Orphanet 578, MedGen C0238286, MONDO:0009653, OMIM 252650.

Submission:

Myriad Genetics, Inc.
Classification: Pathogenic for Mucolipidosis type IV. Last evaluated: 2023-11-03. Review status: criteria provided, single submitter. Criteria: Myriad Autosomal Dominant, Autosomal Recessive and X-Linked Classification Criteria (2023). Collection method: clinical testing. Allele origin: unknown.
Comment: NM_020533.2(MCOLN1):c.740dupA(N247Kfs*2) is expected to be pathogenic in the context of mucolipidosis IV. This variant is predicted to lead to an abnormal or absent protein product due to the creation of a premature termination codon in MCOLN1, a gene where loss-of-function variants are known to be pathogenic. Please note: this variant was assessed in the context of healthy population screening.